The following is an entry in ClinVar:

NM_000038.6(APC):c.3163del (p.His1054_Ile1055insTer)

Gene: APC (APC regulator of Wnt signaling pathway; plus strand). Cytogenetic location: 5q22.2.
Variant type: Deletion.
Coding change: c.3163del on transcript NM_000038.6 (MANE Select); coding-DNA position 3163, one base deleted (A; older notation c.3163delA).
Protein change: p.His1054_Ile1055insTer.
Molecular consequence: nonsense. On other transcripts: frameshift variant (20).
Genome position (GRCh38, 1-based): chr5:112,838,757, A deleted. VCF-style (leftmost placement, unchanged base first): chr5-112838756-CA-C. GRCh37 (hg19) VCF-style: chr5-112174453-CA-C.
Other names: c.3163del, p.His1054_Ile1055insTer (NM_001127510.3, NM_001354895.2); c.3109del, p.His1036_Ile1037insTer (NM_001127511.3); c.3217del, p.His1072_Ile1073insTer (NM_001354896.2); c.3193del, p.His1064_Ile1065insTer (NM_001354897.2); c.3088del, p.His1029_Ile1030insTer (NM_001354898.2); c.3079del, p.His1026_Ile1027insTer (NM_001354899.2); c.3040del, p.His1013_Ile1014insTer (NM_001354900.2); c.2986del, p.His995_Ile996insTer (NM_001354901.2); and 16 more.
Identifiers: ClinVar variation 1728336 (VCV001728336.2), dbSNP rs2533475937, ClinGen allele CA2580072821.
Genomic context (GRCh38, chr5:112,838,756, plus strand): 5'-GCAGTTGAACTCTGGAAGGCAAAGTCCTTCACAGAATGAAAGATGGGCAAGACCCAAACA[CA>C]TAATAGAAGATGAAATAAAACAAAGTGAGCAAAGACAATCAAGGAATCAAAGTACAACTT-3'

ClinVar aggregate classification (germline): Pathogenic (1 of 4 stars; one submission).

Conditions:
Hereditary cancer-predisposing syndrome. Also called: Tumor predisposition; Neoplastic Syndromes, Hereditary; Hereditary Cancer Syndrome; Hereditary neoplastic syndrome. Identifiers: Orphanet 140162, MedGen C0027672, MeSH D009386, MONDO:0015356.

Submission:

Ambry Genetics
Classification: Pathogenic for Hereditary cancer-predisposing syndrome. Last evaluated: 2021-03-03. Review status: criteria provided, single submitter. Criteria: Ambry Variant Classification Scheme 2023. Collection method: clinical testing. Allele origin: germline.
Comment: The c.3163delA pathogenic mutation, located in coding exon 15 of the APC gene, results from a deletion of one nucleotide at nucleotide position 3163, causing a translational frameshift with a predicted alternate stop codon (p.I1055*). This alteration occurs at the 3' terminus of the APC gene, is not expected to trigger nonsense-mediated mRNA decay, and impacts the last 1788 amino acids of the protein. However, premature stop codons are typically deleterious in nature and a significant portion of the protein is affected (Ambry internal data). Based on the supporting evidence, this alteration is interpreted as a disease-causing mutation.